The following is an entry in ClinVar:

NM_003737.4(DCHS1):c.6576+6G>C

Gene: DCHS1 (dachsous cadherin-related 1; minus strand). Cytogenetic location: 11p15.4.
Variant type: single nucleotide variant.
Coding change: c.6576+6G>C on transcript NM_003737.4 (MANE Select); 6 bases into the intron after coding-DNA position 6576, G replaced by C.
Molecular consequence: intron variant.
Genome position (GRCh38, 1-based): chr11:6,626,163, C>G on the plus strand (G>C on the coding strand, the complement: DCHS1 is on the minus strand). VCF-style: chr11-6626163-C-G. GRCh37 (hg19) VCF-style: chr11-6647394-C-G.
Identifiers: ClinVar variation 2862529 (VCV002862529.3), dbSNP rs1375058362, ClinGen allele CA597439994.

ClinVar aggregate classification (germline): Uncertain significance (1 of 4 stars; one submission).

Submission:

Labcorp Genetics (formerly Invitae), Labcorp
Classification: Uncertain significance. Last evaluated: 2023-05-07. Review status: criteria provided, single submitter. Criteria: Invitae Variant Classification Sherloc (09022015). Collection method: clinical testing. Allele origin: germline.
Comment: This sequence change falls in intron 16 of the DCHS1 gene. It does not directly change the encoded amino acid sequence of the DCHS1 protein. It affects a nucleotide within the consensus splice site. This variant is present in population databases (no rsID available, gnomAD 0.001%). This variant has not been reported in the literature in individuals affected with DCHS1-related conditions. Variants that disrupt the consensus splice site are a relatively common cause of aberrant splicing (PMID: 17576681, 9536098). Algorithms developed to predict the effect of sequence changes on RNA splicing suggest that this variant is not likely to affect RNA splicing. In summary, the available evidence is currently insufficient to determine the role of this variant in disease. Therefore, it has been classified as a Variant of Uncertain Significance.

Literature cited by the submitters: PubMed 17576681; PubMed 9536098.